The following is an entry in ClinVar:

NM_004329.3(BMPR1A):c.334-5T>C

Gene: BMPR1A (bone morphogenetic protein receptor type 1A; plus strand). Cytogenetic location: 10q23.2.
Variant type: single nucleotide variant.
Coding change: c.334-5T>C on transcript NM_004329.3 (MANE Select); 5 bases into the intron before coding-DNA position 334, T replaced by C.
Molecular consequence: intron variant.
Genome position (GRCh38, 1-based): chr10:86,899,789, T>C. VCF-style: chr10-86899789-T-C. GRCh37 (hg19) VCF-style: chr10-88659546-T-C.
Other names: c.334-5T>C (NM_001406562.1, NM_001406568.1, NM_001406567.1 and 22 more transcripts); c.250-5T>C (NM_001406584.1, NM_001406588.1, NM_001406587.1 and 2 more transcripts); c.333+7560T>C (NM_001406589.1).
Identifiers: ClinVar variation 4623276 (VCV004623276.1).

ClinVar aggregate classification (germline): Uncertain significance (1 of 4 stars; one submission).

Conditions:
Hereditary cancer-predisposing syndrome. Also called: Neoplastic Syndromes, Hereditary; Tumor predisposition; Hereditary Cancer Syndrome; Hereditary neoplastic syndrome. Identifiers: Orphanet 140162, MedGen C0027672, MeSH D009386, MONDO:0015356.

Submission:

Ambry Genetics
Classification: Uncertain significance for Hereditary cancer-predisposing syndrome. Last evaluated: 2025-09-16. Review status: criteria provided, single submitter. Criteria: Ambry Variant Classification Scheme 2023. Collection method: clinical testing. Allele origin: germline.
Comment: The c.334-5T>C intronic variant results from a T to C substitution 5 nucleotides upstream from coding exon 4 in the BMPR1A gene. This nucleotide position is well conserved in available vertebrate species. In silico splice site analysis predicts that this alteration will not have any significant effect on splicing. Based on the available evidence, the clinical significance of this variant remains unclear.